The following is an entry in ClinVar:

NM_005687.5(FARSB):c.914G>A (p.Arg305Gln)

Gene: FARSB (phenylalanyl-tRNA synthetase subunit beta; minus strand). Cytogenetic location: 2q36.1.
Variant type: single nucleotide variant.
Coding change: c.914G>A on transcript NM_005687.5 (MANE Select); coding-DNA position 914, G replaced by A.
Protein change: p.Arg305Gln; replaces arginine 305 with glutamine.
Molecular consequence: missense variant. On other transcripts: non-coding transcript variant (1).
Genome position (GRCh38, 1-based): chr2:222,624,762, C>T on the plus strand (G>A on the coding strand, the complement: FARSB is on the minus strand). VCF-style: chr2-222624762-C-T. GRCh37 (hg19) VCF-style: chr2-223489481-C-T.
Other names: short protein forms R305Q.
Identifiers: ClinVar variation 545502 (VCV000545502.4), dbSNP rs773579570, ClinGen allele CA2136494.

ClinVar aggregate classification (germline): Likely pathogenic. Review status: criteria provided, single submitter (1 of 4 stars). 2 submissions from 2 submitters: Likely pathogenic (1). 1 of the submissions does not count toward it. Last evaluated 2018-06-07.

Conditions:
Rajab interstitial lung disease with brain calcifications. Identifiers: Orphanet 178506, MedGen C3150910, MONDO:0100214.

Allele frequency attached by ClinVar (database versions not stated): gnomAD 0.00001; gnomAD exomes 0.00001; ExAC 0.00003.
gnomAD v4.1: 8 of 1,600,266 alleles (0.0005%); highest among the groups gnomAD compares: East Asian, 0.0045%; no homozygotes.

Submissions (2):

GeneDx
Classification: Likely pathogenic. Last evaluated: 2018-06-07. Review status: criteria provided, single submitter. Criteria: GeneDx Variant Classification (06012015). Collection method: clinical testing. Allele origin: germline. Affected: yes.
Comment: The R305Q variant is not observed in large population cohorts (Lek et al., 2016). The R305Q variant is a semi-conservative amino acid substitution, which may impact secondary protein structure as these residues differ in some properties. In-silico analyses, including protein predictors and evolutionary conservation, support a deleterious effect. Therefore, we interpret R305Q as a likely pathogenic variant.

OMIM
Classification: Pathogenic for RAJAB INTERSTITIAL LUNG DISEASE WITH BRAIN CALCIFICATIONS 1. Last evaluated: 2024-09-18. Review status: no assertion criteria provided. Collection method: literature only. Allele origin: germline. Not counted in ClinVar's aggregate classification.

Literature cited by the submitters: PubMed 29979980 (cited by OMIM).